The following is an entry in ClinVar:

NM_001003800.2(BICD2):c.334C>G (p.Gln112Glu)

Gene: BICD2 (BICD cargo adaptor 2; minus strand). Cytogenetic location: 9q22.31.
Variant type: single nucleotide variant.
Coding change: c.334C>G on transcript NM_001003800.2 (MANE Select); coding-DNA position 334, C replaced by G.
Protein change: p.Gln112Glu; replaces glutamine 112 with glutamic acid.
Molecular consequence: missense variant.
Genome position (GRCh38, 1-based): chr9:92,729,143, G>C on the plus strand (C>G on the coding strand, the complement: BICD2 is on the minus strand). VCF-style: chr9-92729143-G-C. GRCh37 (hg19) VCF-style: chr9-95491425-G-C.
Other names: c.334C>G, p.Gln112Glu (NM_015250.4); short protein forms Q112E.
Identifiers: ClinVar variation 2105931 (VCV002105931.4), dbSNP rs2490476235, ClinGen allele CA374027187.

ClinVar aggregate classification (germline): Uncertain significance (1 of 4 stars; one submission).

Conditions:
Autosomal dominant childhood-onset proximal spinal muscular atrophy with contractures (SMALED2A). Also called: SPINAL MUSCULAR ATROPHY, LOWER EXTREMITY-PREDOMINANT, 2A, CHILDHOOD ONSET, AUTOSOMAL DOMINANT; Spinal muscular atrophy, lower extremity-predominant, 2A, autosomal dominant. Identifiers: Orphanet 363447, Orphanet 363454, MedGen C4747715, MONDO:0014121, OMIM 615290.

Submission:

Labcorp Genetics (formerly Invitae), Labcorp
Classification: Uncertain significance for Autosomal dominant childhood-onset proximal spinal muscular atrophy with contractures. Last evaluated: 2022-03-03. Review status: criteria provided, single submitter. Criteria: Invitae Variant Classification Sherloc (09022015). Collection method: clinical testing. Allele origin: germline.
Comment: In summary, the available evidence is currently insufficient to determine the role of this variant in disease. Therefore, it has been classified as a Variant of Uncertain Significance. Advanced modeling of protein sequence and biophysical properties (such as structural, functional, and spatial information, amino acid conservation, physicochemical variation, residue mobility, and thermodynamic stability) performed at Invitae indicates that this missense variant is not expected to disrupt BICD2 protein function. This variant has not been reported in the literature in individuals affected with BICD2-related conditions. This variant is not present in population databases (gnomAD no frequency). This sequence change replaces glutamine, which is neutral and polar, with glutamic acid, which is acidic and polar, at codon 112 of the BICD2 protein (p.Gln112Glu).